The following is an entry in ClinVar:

ClinVar aggregate classification (germline): Pathogenic. Review status: criteria provided, single submitter (1 of 4 stars). 2 submissions from 2 submitters: Pathogenic (1). 1 of the submissions does not count toward it. Last evaluated 2023-08-17.

Conditions:
Lynch syndrome 5 (LYNCH5). Also called: Colorectal cancer, hereditary nonpolyposis, type 5; Hereditary non-polyposis colorectal cancer, type 5. Identifiers: Orphanet 144, MedGen C1833477, MONDO:0013710, OMIM 614350. Disease mechanism: loss of function.

Submissions (2):

Myriad Genetics, Inc.
Classification: Pathogenic for Lynch syndrome 5. Last evaluated: 2023-08-17. Review status: criteria provided, single submitter. Criteria: Myriad Autosomal Dominant, Autosomal Recessive and X-Linked Classification Criteria (2023). Collection method: clinical testing. Allele origin: unknown.
Comment: This variant is considered pathogenic. This variant creates a frameshift predicted to result in premature protein truncation.

Department of Pathology and Laboratory Medicine, Sinai Health System
Classification: Pathogenic. Review status: no assertion criteria provided. Collection method: clinical testing. Allele origin: unknown. Affected: yes. Study: The Canadian Open Genetics Repository (COGR). Not counted in ClinVar's aggregate classification.
Comment: The MSH6 p.Lys804Asnfs*15 variant was not identified in the literature nor was it identified in the dbSNP, ClinVar, or UMD-LSDB databases. The variant was not identified in the following control databases: the Exome Aggregation Consortium (August 8th 2016), or the Genome Aggregation Database (Feb 27, 2017). The c.2412_2413del variant is predicted to cause a frameshift, which alters the protein's amino acid sequence beginning at codon 804 and leads to a premature stop codon 15 codons downstream. This alteration is then predicted to result in a truncated or absent protein and loss of function. Loss of function variants of the MSH6 gene are an established mechanism of disease in Lynch syndrome and is the type of variant expected to cause the disorder. In summary, based on the above information this variant meets our laboratoryâ€šÃ„Ã´s criteria to be classified as pathogenic.

NM_000179.3(MSH6):c.2412_2413del (p.Lys804fs)

Gene: MSH6 (mutS homolog 6; plus strand). Cytogenetic location: 2p16.3.
Variant type: Deletion.
Coding change: c.2412_2413del on transcript NM_000179.3 (MANE Select); coding-DNA positions 2412 to 2413, 2 bases deleted (AA; older notation c.2412_2413delAA).
Protein change: p.Lys804fs; shifts the reading frame from lysine 804.
Molecular consequence: frameshift variant.
Genome position (GRCh38, 1-based): chr2:47,800,395-47,800,396, AA deleted; deleting any 2 consecutive bases within chr2:47,800,393-47,800,396 gives the same sequence; the c. name uses the placement nearest the transcript's 3' end. VCF-style (leftmost placement, unchanged base first): chr2-47800392-CAA-C. GRCh37 (hg19) VCF-style: chr2-48027531-CAA-C.
Other names: c.2022_2023del, p.Lys674fs (NM_001281492.2); c.1506_1507del, p.Lys502fs (NM_001281493.2, NM_001281494.2); short protein forms K502fs, K674fs, K804fs.
Identifiers: ClinVar variation 1050411 (VCV001050411.2), dbSNP rs2104405276, ClinGen allele CA2499216116.